The following is an entry in ClinVar:

NM_000302.4(PLOD1):c.1324C>T (p.Arg442Cys)

Gene: PLOD1 (procollagen-lysine,2-oxoglutarate 5-dioxygenase 1; plus strand). Cytogenetic location: 1p36.22.
Variant type: single nucleotide variant.
Coding change: c.1324C>T on transcript NM_000302.4 (MANE Select); coding-DNA position 1324, C replaced by T.
Protein change: p.Arg442Cys; replaces arginine 442 with cysteine.
Molecular consequence: missense variant.
Genome position (GRCh38, 1-based): chr1:11,964,296, C>T. VCF-style: chr1-11964296-C-T. GRCh37 (hg19) VCF-style: chr1-12024353-C-T.
Other names: c.1465C>T, p.Arg489Cys (NM_001316320.2); short protein forms R442C, R489C.
Identifiers: ClinVar variation 1367566 (VCV001367566.8), dbSNP rs763672034, ClinGen allele CA598355.

ClinVar aggregate classification (germline): Uncertain significance. Review status: criteria provided, multiple submitters, no conflicts (2 of 4 stars). 2 submissions from 2 submitters: Uncertain significance (2). Last evaluated 2024-12-17.

Conditions:
Familial thoracic aortic aneurysm and aortic dissection (TAAD). Also called: Thoracic aortic aneurysms and dissections. Identifiers: Orphanet 91387, MedGen C4707243, MONDO:0019625.
Ehlers-Danlos syndrome, kyphoscoliotic type 1 (EDSKSCL1). Also called: Ehlers-Danlos syndrome, hydroxylysine-deficient; EHLERS-DANLOS SYNDROME, TYPE VIA; PLOD1-Related Kyphoscoliotic Ehlers-Danlos Syndrome; EHLERS-DANLOS SYNDROME, OCULAR-SCOLIOTIC TYPE. Identifiers: Orphanet 1900, MedGen C0268342, MONDO:0016002, OMIM 225400. Disease mechanism: loss of function.

Allele frequency attached by ClinVar (database versions not stated): gnomAD exomes 0.00001 and 0.00002; ExAC 0.00002; gnomAD 0.00005; TOPMed 0.00005.
gnomAD v4.1: 13 of 620,098 alleles (0.0021%); highest among the groups gnomAD compares: African/African-American, 0.016%; no homozygotes.

Submissions (2):

Ambry Genetics
Classification: Uncertain significance for Familial thoracic aortic aneurysm and aortic dissection. Last evaluated: 2024-12-17. Review status: criteria provided, single submitter. Criteria: Ambry Variant Classification Scheme 2023. Collection method: clinical testing. Allele origin: germline.
Comment: The p.R442C variant (also known as c.1324C>T), located in coding exon 12 of the PLOD1 gene, results from a C to T substitution at nucleotide position 1324. The arginine at codon 442 is replaced by cysteine, an amino acid with highly dissimilar properties. This amino acid position is conserved. In addition, this alteration is predicted to be deleterious by in silico analysis. Since supporting evidence is limited at this time, the clinical significance of this alteration remains unclear.

Labcorp Genetics (formerly Invitae), Labcorp
Classification: Uncertain significance for Ehlers-Danlos syndrome, kyphoscoliotic type 1. Last evaluated: 2022-08-20. Review status: criteria provided, single submitter. Criteria: Invitae Variant Classification Sherloc (09022015). Collection method: clinical testing. Allele origin: germline.
Comment: This sequence change replaces arginine, which is basic and polar, with cysteine, which is neutral and slightly polar, at codon 442 of the PLOD1 protein (p.Arg442Cys). This variant is present in population databases (rs763672034, gnomAD 0.03%). This variant has not been reported in the literature in individuals affected with PLOD1-related conditions. ClinVar contains an entry for this variant (Variation ID: 1367566). Algorithms developed to predict the effect of missense changes on protein structure and function (SIFT, PolyPhen-2, Align-GVGD) all suggest that this variant is likely to be disruptive. Algorithms developed to predict the effect of sequence changes on RNA splicing suggest that this variant may create or strengthen a splice site. In summary, the available evidence is currently insufficient to determine the role of this variant in disease. Therefore, it has been classified as a Variant of Uncertain Significance.